The following is an entry in ClinVar:

ClinVar aggregate classification (germline): Uncertain significance (1 of 4 stars; one submission).

Conditions:
Charcot-Marie-Tooth disease X-linked dominant 6. Also called: CHARCOT-MARIE-TOOTH NEUROPATHY, X-LINKED DOMINANT, 6. Identifiers: Orphanet 352675, MedGen C3806702, MONDO:0010479, OMIM 300905.

Allele frequency attached by ClinVar (database versions not stated): TOPMed 0.00001; gnomAD exomes below 0.00001.

Submission:

Labcorp Genetics (formerly Invitae), Labcorp
Classification: Uncertain significance for Charcot-Marie-Tooth disease X-linked dominant 6. Last evaluated: 2022-10-18. Review status: criteria provided, single submitter. Criteria: Invitae Variant Classification Sherloc (09022015). Collection method: clinical testing. Allele origin: germline.
Comment: This sequence change replaces isoleucine, which is neutral and non-polar, with threonine, which is neutral and polar, at codon 409 of the PDK3 protein (p.Ile409Thr). This variant is present in population databases (no rsID available, gnomAD 0.01%). This variant has not been reported in the literature in individuals affected with PDK3-related conditions. Algorithms developed to predict the effect of missense changes on protein structure and function are either unavailable or do not agree on the potential impact of this missense change (SIFT: "Deleterious"; PolyPhen-2: "Benign"; Align-GVGD: "Class C0"). In summary, the available evidence is currently insufficient to determine the role of this variant in disease. Therefore, it has been classified as a Variant of Uncertain Significance.

NC_000023.11:g.24539142T>C

Gene: PDK3 (pyruvate dehydrogenase kinase 3; plus strand). Cytogenetic location: Xp22.11.
Variant type: single nucleotide variant.
Molecular consequence: missense variant (on NM_001142386.3).
Genome position: GRCh38 VCF-style: chrX-24539142-T-C. GRCh37 (hg19) VCF-style: chrX-24557259-T-C.
Other names: c.1226T>C, p.Ile409Thr (NM_001142386.3); short protein forms I409T.
Identifiers: ClinVar variation 1954676 (VCV001954676.5), dbSNP rs888594227, ClinGen allele CA327707242.